The following is an entry in ClinVar:

ClinVar aggregate classification (germline): Uncertain significance. Review status: criteria provided, multiple submitters, no conflicts (2 of 4 stars). 2 submissions from 2 submitters: Uncertain significance (2). Last evaluated 2023-08-01.

Conditions:
Majeed syndrome (MJDS). Also called: CHRONIC RECURRENT MULTIFOCAL OSTEOMYELITIS 1, WITH CONGENITAL DYSERYTHROPOIETIC ANEMIA, WITH OR WITHOUT NEUTROPHILIC DERMATOSIS; LPIN2-Related Majeed Syndrome. Identifiers: Orphanet 77297, MedGen C1864997, MONDO:0012316, OMIM 609628.

Allele frequency attached by ClinVar (database versions not stated): gnomAD exomes below 0.00001.
gnomAD v4.1: 2 of 1,614,084 alleles (0.00012%); highest among the groups gnomAD compares: Non-Finnish European, 0.00017%; no homozygotes.

Submissions (2):

Revvity Omics, Revvity
Classification: Uncertain significance for Majeed syndrome. Last evaluated: 2023-08-01. Review status: criteria provided, single submitter. Criteria: ACMG Guidelines, 2015. Collection method: clinical testing. Allele origin: germline.

Labcorp Genetics (formerly Invitae), Labcorp
Classification: Uncertain significance for Majeed syndrome. Last evaluated: 2020-09-02. Review status: criteria provided, single submitter. Criteria: Invitae Variant Classification Sherloc (09022015). Collection method: clinical testing. Allele origin: germline.
Comment: In summary, the available evidence is currently insufficient to determine the role of this variant in disease. Therefore, it has been classified as a Variant of Uncertain Significance. Algorithms developed to predict the effect of missense changes on protein structure and function (SIFT, PolyPhen-2, Align-GVGD) all suggest that this variant is likely to be tolerated, but these predictions have not been confirmed by published functional studies and their clinical significance is uncertain. This variant has not been reported in the literature in individuals with LPIN2-related conditions. This variant is not present in population databases (ExAC no frequency). This sequence change replaces alanine with valine at codon 193 of the LPIN2 protein (p.Ala193Val). The alanine residue is weakly conserved and there is a small physicochemical difference between alanine and valine.

NM_001375808.2(LPIN2):c.578C>T (p.Ala193Val)

Gene: LPIN2 (lipin 2; minus strand). Cytogenetic location: 18p11.31.
Variant type: single nucleotide variant.
Coding change: c.578C>T on transcript NM_001375808.2 (MANE Select); coding-DNA position 578, C replaced by T.
Protein change: p.Ala193Val; replaces alanine 193 with valine.
Molecular consequence: missense variant.
Genome position (GRCh38, 1-based): chr18:2,951,067, G>A on the plus strand (C>T on the coding strand, the complement: LPIN2 is on the minus strand). VCF-style: chr18-2951067-G-A. GRCh37 (hg19) VCF-style: chr18-2951065-G-A.
Other names: c.578C>T, p.Ala193Val (NM_001375809.1, NM_014646.2); short protein forms A193V.
Identifiers: ClinVar variation 1047742 (VCV001047742.9), dbSNP rs1290039087, ClinGen allele CA401708763.